The following is an entry in ClinVar:

ClinVar aggregate classification (germline): Uncertain significance (1 of 4 stars; one submission).

Conditions:
Cardiovascular phenotype. Identifiers: MedGen CN230736.

gnomAD v4.1: 2 of 1,614,060 alleles (0.00012%); highest among the groups gnomAD compares: South Asian, 0.0011%; no homozygotes.

Submission:

Ambry Genetics
Classification: Uncertain significance for Cardiovascular phenotype. Last evaluated: 2025-12-02. Review status: criteria provided, single submitter. Criteria: Ambry Variant Classification Scheme 2023. Collection method: clinical testing. Allele origin: germline.
Comment: The p.A1694S variant (also known as c.5080G>T), located in coding exon 11 of the ALPK3 gene, results from a G to T substitution at nucleotide position 5080. The alanine at codon 1694 is replaced by serine, an amino acid with similar properties. This amino acid position is conserved. In addition, this alteration is predicted to be tolerated by in silico analysis. Based on the available evidence, the clinical significance of this variant remains unclear.

NM_020778.5(ALPK3):c.4474G>T (p.Ala1492Ser)

Gene: ALPK3 (alpha kinase 3; plus strand). Cytogenetic location: 15q25.3.
Variant type: single nucleotide variant.
Coding change: c.4474G>T on transcript NM_020778.5 (MANE Select); coding-DNA position 4474, G replaced by T.
Protein change: p.Ala1492Ser; replaces alanine 1492 with serine.
Molecular consequence: missense variant.
Genome position (GRCh38, 1-based): chr15:84,863,615, G>T. VCF-style: chr15-84863615-G-T. GRCh37 (hg19) VCF-style: chr15-85406846-G-T.
Other names: short protein forms A1492S.
Identifiers: ClinVar variation 4613524 (VCV004613524.1).